The following is an entry in ClinVar:

NM_001886.3(CRYBA4):c.227G>C (p.Ser76Thr)

Gene: CRYBA4 (crystallin beta A4; plus strand). Cytogenetic location: 22q12.1.
Variant type: single nucleotide variant.
Coding change: c.227G>C on transcript NM_001886.3 (MANE Select); coding-DNA position 227, G replaced by C.
Protein change: p.Ser76Thr; replaces serine 76 with threonine.
Molecular consequence: missense variant.
Genome position (GRCh38, 1-based): chr22:26,625,549, G>C. VCF-style: chr22-26625549-G-C. GRCh37 (hg19) VCF-style: chr22-27021513-G-C.
Other names: short protein forms S76T.
Identifiers: ClinVar variation 661895 (VCV000661895.9), dbSNP rs776573050, ClinGen allele CA10165738.

ClinVar aggregate classification (germline): Uncertain significance (1 of 4 stars; one submission).

Conditions:
Cataract 23 (CTRCT23). Also called: CATARACT 23, LAMELLAR; Cataract 23, multiple types. Identifiers: Orphanet 91492, MedGen C3808012, MONDO:0012489, OMIM 610425.

Allele frequency attached by ClinVar (database versions not stated): gnomAD 0.00001; gnomAD exomes 0.00001 and 0.00006; TOPMed 0.00001; ExAC 0.00007.
gnomAD v4.1: 15 of 1,613,962 alleles (0.00093%); highest among the groups gnomAD compares: East Asian, 0.029%; no homozygotes.

Submission:

Labcorp Genetics (formerly Invitae), Labcorp
Classification: Uncertain significance for Cataract 23. Last evaluated: 2024-10-23. Review status: criteria provided, single submitter. Criteria: Invitae Variant Classification Sherloc (09022015). Collection method: clinical testing. Allele origin: germline.
Comment: This sequence change replaces serine, which is neutral and polar, with threonine, which is neutral and polar, at codon 76 of the CRYBA4 protein (p.Ser76Thr). The frequency data for this variant in the population databases is considered unreliable, as metrics indicate poor data quality at this position in the gnomAD database. This variant has not been reported in the literature in individuals affected with CRYBA4-related conditions. ClinVar contains an entry for this variant (Variation ID: 661895). An algorithm developed to predict the effect of missense changes on protein structure and function (PolyPhen-2) suggests that this variant is likely to be tolerated. In summary, the available evidence is currently insufficient to determine the role of this variant in disease. Therefore, it has been classified as a Variant of Uncertain Significance.